The following is an entry in ClinVar:

ClinVar aggregate classification (germline): Benign/Likely benign. Review status: criteria provided, multiple submitters, no conflicts (2 of 4 stars). 7 submissions from 7 submitters: Benign (5); Likely benign (2). Last evaluated 2026-02-02.

Conditions:
Hereditary spastic paraplegia. Also called: Familial spastic paraparesis. Identifiers: Orphanet 685, MedGen C0037773, MONDO:0019064. Disease mechanism: loss of function.
Hereditary spastic paraplegia 39 (SPG39). Also called: Spastic Paraplegia Type 39 (SPG39); SPASTIC PARAPLEGIA 39, AUTOSOMAL RECESSIVE. Identifiers: Orphanet 139480, MedGen C2677586, MONDO:0012787, OMIM 612020.

Allele frequency attached by ClinVar (database versions not stated): 1000 Genomes Project 0.02576; 1000 Genomes Project 30x 0.02592; ExAC 0.02718; gnomAD 0.03161 and 0.03285; TOPMed 0.03217; ESP Exome Variant Server 0.03698.
gnomAD v4.1: 45,521 of 1,614,008 alleles (2.8%); highest among the groups gnomAD compares: Middle Eastern, 8.8%; 776 homozygotes.

Submissions (7):

Labcorp Genetics (formerly Invitae), Labcorp
Classification: Benign for Hereditary spastic paraplegia 39. Last evaluated: 2026-02-02. Review status: criteria provided, single submitter. Criteria: Invitae Variant Classification Sherloc (09022015). Collection method: clinical testing. Allele origin: germline.

Athena Diagnostics
Classification: Benign. Last evaluated: 2023-12-07. Review status: criteria provided, single submitter. Criteria: Athena Diagnostics Criteria. Collection method: clinical testing. Allele origin: unknown.

Genome Diagnostics Laboratory, The Hospital for Sick Children
Classification: Benign for Hereditary spastic paraplegia. Last evaluated: 2021-11-11. Review status: criteria provided, single submitter. Criteria: ACMG Guidelines, 2015. Collection method: clinical testing. Allele origin: germline. Affected: yes.

Illumina Laboratory Services, Illumina
Classification: Likely benign for Hereditary spastic paraplegia 39. Last evaluated: 2018-01-12. Review status: criteria provided, single submitter. Criteria: ICSL Variant Classification Criteria 13 December 2019. Collection method: clinical testing. Allele origin: germline.
Comment: This variant was observed in the ICSL laboratory as part of a predisposition screen in an ostensibly healthy population. It had not been previously curated by ICSL or reported in the Human Gene Mutation Database (HGMD: prior to June 1st, 2018), and was therefore a candidate for classification through an automated scoring system. Utilizing variant allele frequency, disease prevalence and penetrance estimates, and inheritance mode, an automated score was calculated to assess if this variant is too frequent to cause the disease. Based on the score and internal cut-off values, a variant classified as likely benign is not then subjected to further curation. The score for this variant resulted in a classification of likely benign for this disease.

Mayo Clinic Laboratories, Mayo Clinic
Classification: Benign. Last evaluated: 2017-11-15. Review status: criteria provided, single submitter. Criteria: ACMG Guidelines, 2015. Collection method: clinical testing. Allele origin: germline. Observed: 134 variant alleles.

GeneDx
Classification: Benign. Last evaluated: 2016-05-04. Review status: criteria provided, single submitter. Criteria: GeneDx Variant Classification (06012015). Collection method: clinical testing. Allele origin: germline. Affected: yes.
Comment: This variant is considered likely benign or benign based on one or more of the following criteria: it is a conservative change, it occurs at a poorly conserved position in the protein, it is predicted to be benign by multiple in silico algorithms, and/or has population frequency not consistent with disease.

Breakthrough Genomics
Classification: Likely benign. Review status: criteria provided, single submitter. Criteria: ACMG Guidelines, 2015. Collection method: not provided. Allele origin: germline. Inheritance: Autosomal recessive inheritance. Affected: yes.

NM_001166114.2(PNPLA6):c.2547G>A (p.Ser849=)

Gene: PNPLA6 (patatin like domain 6, lysophospholipase; plus strand). Cytogenetic location: 19p13.2.
Variant type: single nucleotide variant.
Coding change: c.2547G>A on transcript NM_001166114.2 (MANE Select); coding-DNA position 2547, G replaced by A.
Protein change: p.Ser849=; no amino-acid change (serine 849 retained).
Molecular consequence: synonymous variant.
Genome position (GRCh38, 1-based): chr19:7,554,636, G>A. VCF-style: chr19-7554636-G-A. GRCh37 (hg19) VCF-style: chr19-7619522-G-A.
Other names: p.Ser811=; c.2577G>A, p.Ser859= (NM_001166111.2); c.2352G>A, p.Ser784= (NM_001166112.2); c.2433G>A, p.Ser811= (NM_001166113.1, NM_006702.5).
Identifiers: ClinVar variation 383988 (VCV000383988.21), dbSNP rs522776, ClinGen allele CA9140148.